The following is an entry in ClinVar:

ClinVar aggregate classification (germline): Uncertain significance (1 of 4 stars; one submission).

Submission:

Labcorp Genetics (formerly Invitae), Labcorp
Classification: Uncertain significance. Last evaluated: 2023-07-12. Review status: criteria provided, single submitter. Criteria: Invitae Variant Classification Sherloc (09022015). Collection method: clinical testing. Allele origin: germline.
Comment: This sequence change replaces aspartic acid, which is acidic and polar, with asparagine, which is neutral and polar, at codon 169 of the GNAT1 protein (p.Asp169Asn). This variant is not present in population databases (gnomAD no frequency). This variant has not been reported in the literature in individuals affected with GNAT1-related conditions. Advanced modeling of protein sequence and biophysical properties (such as structural, functional, and spatial information, amino acid conservation, physicochemical variation, residue mobility, and thermodynamic stability) performed at Invitae indicates that this missense variant is expected to disrupt GNAT1 protein function. In summary, the available evidence is currently insufficient to determine the role of this variant in disease. Therefore, it has been classified as a Variant of Uncertain Significance.

NM_144499.3(GNAT1):c.505G>A (p.Asp169Asn)

Gene: GNAT1 (G protein subunit alpha transducin 1; plus strand). Cytogenetic location: 3p21.31.
Variant type: single nucleotide variant.
Coding change: c.505G>A on transcript NM_144499.3 (MANE Select); coding-DNA position 505, G replaced by A.
Protein change: p.Asp169Asn; replaces aspartic acid 169 with asparagine.
Molecular consequence: missense variant.
Genome position (GRCh38, 1-based): chr3:50,193,808, G>A. VCF-style: chr3-50193808-G-A. GRCh37 (hg19) VCF-style: chr3-50231241-G-A.
Other names: c.505G>A, p.Asp169Asn (NM_000172.4); short protein forms D169N.
Identifiers: ClinVar variation 2742717 (VCV002742717.3), dbSNP rs762850401, ClinGen allele CA352916347.